The following is an entry in ClinVar:

NM_014339.7(IL17RA):c.1547T>C (p.Leu516Pro)

Gene: IL17RA (interleukin 17 receptor A; plus strand). Cytogenetic location: 22q11.1.
Variant type: single nucleotide variant.
Coding change: c.1547T>C on transcript NM_014339.7 (MANE Select); coding-DNA position 1547, T replaced by C.
Protein change: p.Leu516Pro; replaces leucine 516 with proline.
Molecular consequence: missense variant.
Genome position (GRCh38, 1-based): chr22:17,108,766, T>C. VCF-style: chr22-17108766-T-C. GRCh37 (hg19) VCF-style: chr22-17589656-T-C.
Other names: c.1445T>C, p.Leu482Pro (NM_001289905.2); c.1547T>C (NM_014339.5); short protein forms L482P, L516P.
Identifiers: ClinVar variation 960176 (VCV000960176.11), dbSNP rs2061425386, ClinGen allele CA410217494.

ClinVar aggregate classification (germline): Uncertain significance. Review status: criteria provided, multiple submitters, no conflicts (2 of 4 stars). 2 submissions from 2 submitters: Uncertain significance (2). Last evaluated 2023-02-15.

Conditions:
Immunodeficiency 51 (IMD51). Also called: CANDIDIASIS, FAMILIAL, 5. Identifiers: Orphanet 1334, MedGen C4310803, MONDO:0013500, OMIM 613953.

Allele frequency attached by ClinVar (database versions not stated): TOPMed below 0.00001.
gnomAD v4.1: 1 of 1,610,046 alleles (0.000062%); highest among the groups gnomAD compares: Non-Finnish European, 0.000085%; no homozygotes.

Submissions (2):

Ambry Genetics
Classification: Uncertain significance. Last evaluated: 2023-02-15. Review status: criteria provided, single submitter. Criteria: Ambry Variant Classification Scheme 2023. Collection method: clinical testing. Allele origin: germline.

Labcorp Genetics (formerly Invitae), Labcorp
Classification: Uncertain significance for Immunodeficiency 51. Last evaluated: 2019-07-10. Review status: criteria provided, single submitter. Criteria: Invitae Variant Classification Sherloc (09022015). Collection method: clinical testing. Allele origin: germline.
Comment: In summary, the available evidence is currently insufficient to determine the role of this variant in disease. Therefore, it has been classified as a Variant of Uncertain Significance. Algorithms developed to predict the effect of missense changes on protein structure and function are either unavailable or do not agree on the potential impact of this missense change (SIFT: "Tolerated"; PolyPhen-2: "Probably Damaging"; Align-GVGD: "Class C0"). This variant has not been reported in the literature in individuals with IL17RA-related conditions. This variant is not present in population databases (ExAC no frequency). This sequence change replaces leucine with proline at codon 516 of the IL17RA protein (p.Leu516Pro). The leucine residue is highly conserved and there is a moderate physicochemical difference between leucine and proline.